The following is an entry in ClinVar:

ClinVar aggregate classification (germline): Uncertain significance (1 of 4 stars; one submission).

Conditions:
Mitochondrial DNA depletion syndrome 1. Also called: Mitochondrial Neurogastrointestinal Encephalopathy Disease; MITOCHONDRIAL NEUROGASTROINTESTINAL ENCEPHALOPATHY SYNDROME, TYMP-RELATED; MNGIE, TYMP-RELATED; Mitochondrial neurogastrointestinal encephalomyopathy syndrome; Mitochondrial DNA depletion syndrome 1 (MNGIE type); POLIP SYNDROME. Identifiers: Orphanet 298, MedGen C4551995, MONDO:0011283, OMIM 603041.

Submission:

MGZ Medical Genetics Center
Classification: Uncertain significance for Mitochondrial DNA depletion syndrome 1. Last evaluated: 2022-09-07. Review status: criteria provided, single submitter. Criteria: ACMG Guidelines, 2015. Collection method: clinical testing. Allele origin: germline. Affected: yes. Observed: 1 variant allele.
Comment: ACMG criteria applied: PM2_SUP, PP4

NM_001953.5(TYMP):c.752T>C (p.Leu251Pro)

Gene: TYMP (thymidine phosphorylase; minus strand). Cytogenetic location: 22q13.33.
Variant type: single nucleotide variant.
Coding change: c.752T>C on transcript NM_001953.5 (MANE Select); coding-DNA position 752, T replaced by C.
Protein change: p.Leu251Pro; replaces leucine 251 with proline.
Molecular consequence: missense variant.
Genome position (GRCh38, 1-based): chr22:50,527,178, A>G on the plus strand (T>C on the coding strand, the complement: TYMP is on the minus strand). VCF-style: chr22-50527178-A-G. GRCh37 (hg19) VCF-style: chr22-50965607-A-G.
Other names: c.752T>C, p.Leu251Pro (NM_001113755.3, NM_001113756.3, NM_001257988.1 and 1 more transcripts); short protein forms L251P.
Identifiers: ClinVar variation 1709540 (VCV001709540.2), dbSNP rs1185739813, ClinGen allele CA412200472.